The following is an entry in ClinVar:

ClinVar aggregate classification (germline): Conflicting classifications of pathogenicity. Review status: criteria provided, conflicting classifications (1 of 4 stars). 2 submissions from 2 submitters: Uncertain significance (1); Likely benign (1). Last evaluated 2026-02-13.

Conditions:
Hypertrophic cardiomyopathy 13. Also called: TNNC1-Related Familial Hypertrophic Cardiomyopathy. Identifiers: MedGen C2750472, MONDO:0013195, OMIM 613243.
Dilated cardiomyopathy 1Z (CMD1Z). Identifiers: Orphanet 154, MedGen C2678475, MONDO:0012745, OMIM 611879.

Allele frequency attached by ClinVar (database versions not stated): TOPMed below 0.00001.

Submissions (2):

Molecular Genetics Laboratory, Motol Hospital
Classification: Likely benign for Dilated cardiomyopathy 1Z. Last evaluated: 2026-02-13. Review status: criteria provided, single submitter. Criteria: ACMG Guidelines, 2015. Collection method: clinical testing. Allele origin: germline. Inheritance: Autosomal dominant inheritance. Affected: yes. Observed: 1 heterozygote.
Comment: The variant does not segregate with the observed condition (DCM).

Labcorp Genetics (formerly Invitae), Labcorp
Classification: Uncertain significance for Hypertrophic cardiomyopathy 13; Dilated cardiomyopathy 1Z. Last evaluated: 2026-01-04. Review status: criteria provided, single submitter. Criteria: Invitae Variant Classification Sherloc (09022015). Collection method: clinical testing. Allele origin: germline.
Comment: This sequence change replaces tyrosine, which is neutral and polar, with cysteine, which is neutral and slightly polar, at codon 5 of the TNNC1 protein (p.Tyr5Cys). This variant is not present in population databases (gnomAD no frequency). This variant has not been reported in the literature in individuals affected with TNNC1-related conditions. ClinVar contains an entry for this variant (Variation ID: 1397389). An algorithm developed to predict the effect of missense changes on protein structure and function (PolyPhen-2) suggests that this variant is likely to be disruptive. In summary, the available evidence is currently insufficient to determine the role of this variant in disease. Therefore, it has been classified as a Variant of Uncertain Significance.

NM_003280.3(TNNC1):c.14A>G (p.Tyr5Cys)

Gene: TNNC1 (troponin C1, slow skeletal and cardiac type; minus strand). Cytogenetic location: 3p21.1.
Variant type: single nucleotide variant.
Coding change: c.14A>G on transcript NM_003280.3 (MANE Select); coding-DNA position 14, A replaced by G.
Protein change: p.Tyr5Cys; replaces tyrosine 5 with cysteine.
Molecular consequence: missense variant.
Genome position (GRCh38, 1-based): chr3:52,454,002, T>C on the plus strand (A>G on the coding strand, the complement: TNNC1 is on the minus strand). VCF-style: chr3-52454002-T-C. GRCh37 (hg19) VCF-style: chr3-52488018-T-C.
Other names: short protein forms Y5C.
Identifiers: ClinVar variation 1397389 (VCV001397389.9), dbSNP rs1706370933, ClinGen allele CA353170873.
Genomic context (GRCh38, chr3:52,454,002, plus strand): 5'-AGCCCCCAGTGGGCCTGCCCACCCCAGCCCTACCCAGCCCTGTCCCTCACCGCAGCCTTG[T>C]AGATGTCATCCATGCTGGCGGCTCACAGGACAGCTTGCTGGGGTTGCCAGCCGGCCCTTG-3'
Protein context (NP_003271.1, residues 1-15): MDDI[Tyr5Cys]KAAVEQLTEE